The following is an entry in ClinVar:

ClinVar aggregate classification (germline): Uncertain significance. Review status: criteria provided, multiple submitters, no conflicts (2 of 4 stars). 3 submissions from 3 submitters: Uncertain significance (3). Last evaluated 2024-11-04.

Conditions:
Inborn genetic diseases. Identifiers: MedGen C0950123, MeSH D030342.
Senior-Loken syndrome 7 (SLSN7). Identifiers: Orphanet 3156, MedGen C3150877, MONDO:0013326, OMIM 613615.
Bardet-Biedl syndrome 16 (BBS16). Identifiers: Orphanet 110, MedGen C3889474, MONDO:0014444, OMIM 615993.

Allele frequency attached by ClinVar (database versions not stated): ExAC 0.00001; gnomAD 0.00001; gnomAD exomes 0.00001; TOPMed 0.00001.
gnomAD v4.1: 4 of 1,612,008 alleles (0.00025%); highest among the groups gnomAD compares: African/African-American, 0.0053%; no homozygotes.

Submissions (3):

Labcorp Genetics (formerly Invitae), Labcorp
Classification: Uncertain significance for Bardet-Biedl syndrome 16; Senior-Loken syndrome 7. Last evaluated: 2024-11-04. Review status: criteria provided, single submitter. Criteria: Invitae Variant Classification Sherloc (09022015). Collection method: clinical testing. Allele origin: germline.
Comment: This sequence change replaces threonine, which is neutral and polar, with alanine, which is neutral and non-polar, at codon 590 of the SDCCAG8 protein (p.Thr590Ala). This variant is present in population databases (rs780281311, gnomAD 0.01%). This variant has not been reported in the literature in individuals affected with SDCCAG8-related conditions. ClinVar contains an entry for this variant (Variation ID: 1502586). Invitae Evidence Modeling of protein sequence and biophysical properties (such as structural, functional, and spatial information, amino acid conservation, physicochemical variation, residue mobility, and thermodynamic stability) indicates that this missense variant is not expected to disrupt SDCCAG8 protein function with a negative predictive value of 80%. In summary, the available evidence is currently insufficient to determine the role of this variant in disease. Therefore, it has been classified as a Variant of Uncertain Significance.

Fulgent Genetics
Classification: Uncertain significance for Senior-Loken syndrome 7; Bardet-Biedl syndrome 16. Last evaluated: 2024-04-25. Review status: criteria provided, single submitter. Criteria: ACMG Guidelines, 2015. Collection method: clinical testing. Allele origin: germline.

Ambry Genetics
Classification: Uncertain significance for Inborn genetic diseases. Last evaluated: 2021-09-02. Review status: criteria provided, single submitter. Criteria: Ambry Variant Classification Scheme 2023. Collection method: clinical testing. Allele origin: germline.

NM_006642.5(SDCCAG8):c.1768A>G (p.Thr590Ala)

Gene: SDCCAG8 (SHH signaling and ciliogenesis regulator SDCCAG8; plus strand). Cytogenetic location: 1q43.
Variant type: single nucleotide variant.
Coding change: c.1768A>G on transcript NM_006642.5 (MANE Select); coding-DNA position 1768, A replaced by G.
Protein change: p.Thr590Ala; replaces threonine 590 with alanine.
Molecular consequence: missense variant.
Genome position (GRCh38, 1-based): chr1:243,417,991, A>G. VCF-style: chr1-243417991-A-G. GRCh37 (hg19) VCF-style: chr1-243581293-A-G.
Other names: c.865A>G, p.Thr289Ala (NM_001350246.2, NM_001350247.2, NM_001350251.2); c.1864A>G, p.Thr622Ala (NM_001350248.2); c.1474A>G, p.Thr492Ala (NM_001350249.2); c.1768A>G (NM_006642.3); short protein forms T590A, T289A, T492A, T622A.
Identifiers: ClinVar variation 1502586 (VCV001502586.8), dbSNP rs780281311, ClinGen allele CA1483736.
Genomic context (GRCh38, chr1:243,417,991, plus strand): 5'-ACATCTTATGTTGGTGGGGGTTTATTGTTATTTCTAGAAAATGAACAGTATTTGTTGCTG[A>G]CCTCCCAGAATACATTTTTGACAAAGTTAAAGGAAGAATGCTGTACATTAGCCAAGAAAC-3'
Protein context (NP_006633.1, residues 580-600): KTENEQYLLL[Thr590Ala]SQNTFLTKLK